The following is an entry in ClinVar:

ClinVar aggregate classification (germline): Uncertain significance (1 of 4 stars; one submission).

Submission:

Labcorp Genetics (formerly Invitae), Labcorp
Classification: Uncertain significance. Last evaluated: 2022-08-31. Review status: criteria provided, single submitter. Criteria: Invitae Variant Classification Sherloc (09022015). Collection method: clinical testing. Allele origin: germline.
Comment: In summary, the available evidence is currently insufficient to determine the role of this variant in disease. Therefore, it has been classified as a Variant of Uncertain Significance. Algorithms developed to predict the effect of missense changes on protein structure and function (SIFT, PolyPhen-2, Align-GVGD) all suggest that this variant is likely to be disruptive. This variant has not been reported in the literature in individuals affected with POLE-related conditions. This variant is not present in population databases (gnomAD no frequency). This sequence change replaces lysine, which is basic and polar, with asparagine, which is neutral and polar, at codon 1847 of the POLE protein (p.Lys1847Asn).

NM_006231.4(POLE):c.5541G>T (p.Lys1847Asn)

Gene: POLE (DNA polymerase epsilon, catalytic subunit; minus strand). Cytogenetic location: 12q24.33.
Variant type: single nucleotide variant.
Coding change: c.5541G>T on transcript NM_006231.4 (MANE Select); coding-DNA position 5541, G replaced by T.
Protein change: p.Lys1847Asn; replaces lysine 1847 with asparagine.
Molecular consequence: missense variant.
Genome position (GRCh38, 1-based): chr12:132,639,136, C>A on the plus strand (G>T on the coding strand, the complement: POLE is on the minus strand). VCF-style: chr12-132639136-C-A. GRCh37 (hg19) VCF-style: chr12-133215722-C-A.
Other names: short protein forms K1847N.
Identifiers: ClinVar variation 2005869 (VCV002005869.4), dbSNP rs2138508271, ClinGen allele CA387374547.